The following is an entry in ClinVar:

ClinVar aggregate classification (germline): Uncertain significance (1 of 4 stars; one submission).

Conditions:
Hepatic veno-occlusive disease-immunodeficiency syndrome. Also called: Hepatic Veno-Occlusive Disease with Immunodeficiency. Identifiers: Orphanet 79124, MedGen C1856128, MONDO:0009338, OMIM 235550. Disease mechanism: loss of function.

gnomAD v4.1: 1 of 1,613,694 alleles (0.000062%); highest among the groups gnomAD compares: Admixed American, 0.0017%; no homozygotes.

Submission:

Labcorp Genetics (formerly Invitae), Labcorp
Classification: Uncertain significance for Hepatic veno-occlusive disease-immunodeficiency syndrome. Last evaluated: 2025-04-28. Review status: criteria provided, single submitter. Criteria: Invitae Variant Classification Sherloc (09022015). Collection method: clinical testing. Allele origin: germline.
Comment: This sequence change replaces arginine, which is basic and polar, with glycine, which is neutral and non-polar, at codon 56 of the SP110 protein (p.Arg56Gly). This variant is not present in population databases (gnomAD no frequency). This variant has not been reported in the literature in individuals affected with SP110-related conditions. An algorithm developed to predict the effect of missense changes on protein structure and function outputs the following: PolyPhen-2: "Probably Damaging". The glycine amino acid residue is found in multiple mammalian species, which suggests that this missense change does not adversely affect protein function. In summary, the available evidence is currently insufficient to determine the role of this variant in disease. Therefore, it has been classified as a Variant of Uncertain Significance.

NM_080424.4(SP110):c.166A>G (p.Arg56Gly)

Genes: SP110 (SP110 nuclear body protein; minus strand), SP140 (SP140 nuclear body protein; plus strand). Cytogenetic location: 2q37.1.
Variant type: single nucleotide variant.
Coding change: c.166A>G on transcript NM_080424.4 (MANE Select); coding-DNA position 166, A replaced by G.
Protein change: p.Arg56Gly; replaces arginine 56 with glycine.
Molecular consequence: missense variant.
Genome position (GRCh38, 1-based): chr2:230,215,100, T>C on the plus strand (A>G on the coding strand, the complement: SP110 is on the minus strand). VCF-style: chr2-230215100-T-C. GRCh37 (hg19) VCF-style: chr2-231079815-T-C.
Other names: c.184A>G, p.Arg62Gly (NM_001185015.2, NM_001378442.1, NM_001378444.1 and 2 more transcripts); c.166A>G, p.Arg56Gly (NM_001378443.1, NM_001378447.1, NM_004509.5 and 1 more transcripts); short protein forms R62G, R56G.
Identifiers: ClinVar variation 4762239 (VCV004762239.1).
Genomic context (GRCh38, chr2:230,215,100, plus strand): 5'-AAGTCCTCTCCAGTTGGGTGAGAATGTTGTGCACCACTCTGGATACAGGGATCAAATTTC[T>C]ACAGGCTTCCAGAGATTCCTATAAAAATGGAGTGAAGGTTTTTATAAATGACTATAAAAT-3'
Protein context (NP_536349.3, residues 46-66): RMYMESLEAC[Arg56Gly]NLIPVSRVVH